The following is an entry in ClinVar:

ClinVar aggregate classification (germline): Uncertain significance (1 of 4 stars; one submission).

Submission:

GeneDx
Classification: Uncertain significance. Last evaluated: 2023-12-07. Review status: criteria provided, single submitter. Criteria: GeneDx Variant Classification Process June 2021. Collection method: clinical testing. Allele origin: germline. Affected: yes.
Comment: Not observed at significant frequency in large population cohorts (gnomAD); In silico analysis supports that this missense variant has a deleterious effect on protein structure/function; Has not been previously published as pathogenic or benign to our knowledge

NM_001378964.1(CDON):c.2768C>T (p.Thr923Ile)

Gene: CDON (cell adhesion associated, oncogene regulated; minus strand). Cytogenetic location: 11q24.2.
Variant type: single nucleotide variant.
Coding change: c.2768C>T on transcript NM_001378964.1 (MANE Select); coding-DNA position 2768, C replaced by T.
Protein change: p.Thr923Ile; replaces threonine 923 with isoleucine.
Molecular consequence: missense variant.
Genome position (GRCh38, 1-based): chr11:125,989,642, G>A on the plus strand (C>T on the coding strand, the complement: CDON is on the minus strand). VCF-style: chr11-125989642-G-A. GRCh37 (hg19) VCF-style: chr11-125859537-G-A.
Other names: c.2768C>T, p.Thr923Ile (NM_001243597.3, NM_016952.6); short protein forms T923I.
Identifiers: ClinVar variation 3365141 (VCV003365141.1).
Genomic context (GRCh38, chr11:125,989,642, plus strand): 5'-GTAATCCAGGGTTGGAATTCTATCACTGTCCAGGGAAAAGCAAAAATTCTCCTACCTTTA[G>A]TCTCGCAGATCATCACATTGCTAAATTCACTTTCTCCTCCTTCATTGAAGCATTGCATTT-3'
Protein context (NP_001365893.1, residues 913-933): SEFSNVMICE[Thr923Ile]KVKRVPGASE